The following is an entry in ClinVar:

NM_014714.4(IFT140):c.2067+1G>A

Gene: IFT140 (intraflagellar transport 140; minus strand). Cytogenetic location: 16p13.3.
Variant type: single nucleotide variant.
Coding change: c.2067+1G>A on transcript NM_014714.4 (MANE Select); the canonical splice donor site of the intron after coding-DNA position 2067, G replaced by A.
Molecular consequence: splice donor variant.
Genome position (GRCh38, 1-based): chr16:1,563,996, C>T on the plus strand (G>A on the coding strand, the complement: IFT140 is on the minus strand). VCF-style: chr16-1563996-C-T. GRCh37 (hg19) VCF-style: chr16-1613997-C-T.
Identifiers: ClinVar variation 4531523 (VCV004531523.1).

ClinVar aggregate classification (germline): Likely pathogenic (1 of 4 stars; one submission).

Conditions:
Renal cyst. Also called: Cystic kidney disease; Renal cysts; cystic kidneys. Identifiers: MedGen C3887499, MONDO:0002473, HP:0000107.

gnomAD v4.1: 1 of 1,573,210 alleles (0.000064%); no homozygotes.

Submission:

Victorian Clinical Genetics Services, Murdoch Childrens Research Institute
Classification: Likely pathogenic for Renal cyst. Last evaluated: 2025-07-22. Review status: criteria provided, single submitter. Criteria: ACMG Guidelines, 2015. Collection method: clinical testing. Allele origin: germline. Affected: yes.
Comment: This variant is classified as Likely pathogenic. Evidence in support of pathogenic classification: Canonical splice site variant without proven consequence on splicing (no functional evidence available); Variant is present in gnomAD <0.01 (v4: 1 heterozygote(s), 0 homozygote(s)). Additional information: This variant is heterozygous; This gene is associated with both recessive and dominant disease. Retinitis pigmentosa 80 (MIM#617781) and short-rib thoracic dysplasia 9 with or without polydactyly (MIM#266920) are inherited in an autosomal recessive manner, while cystic kidney disease (MONDO:0002473), IFT140-related, is inherited in an autosomal dominant manner (OMIM, PMID: 34890546); Alternative nucleotide change(s) at the same canonical splice site, are present in gnomAD (Highest allele count: v4: 1 heterozygote(s), 0 homozygote(s)). - This variant has no previous evidence of pathogenicity; No published evidence of segregation with disease has been identified for this variant; No published functional evidence has been identified for this variant; No comparable canonical splice variants have previous evidence for pathogenicity; In silico prediction for abnormal splicing and nucleotide conservation are conflicting; Loss of function is a known mechanism of disease in this gene and is associated with retinitis pigmentosa 80 (MIM#617781), short-rib thoracic dysplasia 9 with or without polydactyly (MIM#266920) and cystic kidney disease (MONDO:0002473), IFT140-related (PMID: 34890546); The dominant condition associated with this gene may have incomplete penetrance. Parents of children with short-rib thoracic dysplasia 9 with or without polydactyly, who carry a single pathogenic variant that has also previously been associated with the dominant cystic kidney disease phenotype, have been reported as unaffected (PMID: 34890546). However, these parents weren't specifically assessed for cystic kidney disease; Inheritance information for this variant is not currently available in this individual.

Literature cited by the submitters: PubMed 34890546.